The following is an entry in ClinVar:

NM_006214.4(PHYH):c.390C>T (p.Leu130=)

Gene: PHYH (phytanoyl-CoA 2-hydroxylase; minus strand). Cytogenetic location: 10p13.
Variant type: single nucleotide variant.
Coding change: c.390C>T on transcript NM_006214.4 (MANE Select); coding-DNA position 390, C replaced by T.
Protein change: p.Leu130=; no amino-acid change (leucine 130 retained).
Molecular consequence: synonymous variant.
Genome position (GRCh38, 1-based): chr10:13,294,452, G>A on the plus strand (C>T on the coding strand, the complement: PHYH is on the minus strand). VCF-style: chr10-13294452-G-A. GRCh37 (hg19) VCF-style: chr10-13336452-G-A.
Other names: p.Leu130=; c.90C>T, p.Leu30= (NM_001037537.2, NM_001323080.2, NM_001323084.2); c.390C>T, p.Leu130= (NM_001323082.2, NM_001323083.2).
Identifiers: ClinVar variation 722686 (VCV000722686.11), dbSNP rs139569975, ClinGen allele CA5412397.

ClinVar aggregate classification (germline): Likely benign. Review status: criteria provided, multiple submitters, no conflicts (2 of 4 stars). 3 submissions from 3 submitters: Likely benign (3). Last evaluated 2025-12-27.

Allele frequency attached by ClinVar (database versions not stated): ExAC 0.00003; gnomAD 0.00003; gnomAD exomes 0.00004 and 0.00010; TOPMed 0.00007; ESP Exome Variant Server 0.00015.
gnomAD v4.1: 143 of 1,614,024 alleles (0.0089%); highest among the groups gnomAD compares: Non-Finnish European, 0.012%; no homozygotes.

Submissions (3):

Labcorp Genetics (formerly Invitae), Labcorp
Classification: Likely benign. Last evaluated: 2025-12-27. Review status: criteria provided, single submitter. Criteria: Invitae Variant Classification Sherloc (09022015). Collection method: clinical testing. Allele origin: germline.

Mayo Clinic Laboratories, Mayo Clinic
Classification: Likely benign. Last evaluated: 2025-01-31. Review status: criteria provided, single submitter. Criteria: ACMG Guidelines, 2015. Collection method: clinical testing. Allele origin: germline. Observed: 2 variant alleles.
Comment: BP4, BP7

Blueprint Genetics
Classification: Likely benign. Last evaluated: 2023-10-19. Review status: criteria provided, single submitter. Criteria: ACMG Guidelines, 2015. Collection method: clinical testing. Allele origin: germline.